The following is an entry in ClinVar:

NM_000466.3(PEX1):c.2934T>G (p.Tyr978Ter)

Genes: GATAD1 (GATA zinc finger domain containing 1; plus strand), PEX1 (peroxisomal biogenesis factor 1; minus strand). Cytogenetic location: 7q21.2.
Variant type: single nucleotide variant.
Coding change: c.2934T>G on transcript NM_000466.3 (MANE Select); coding-DNA position 2934, T replaced by G.
Protein change: p.Tyr978Ter; replaces tyrosine 978 with a stop codon.
Molecular consequence: nonsense.
Genome position (GRCh38, 1-based): chr7:92,494,389, A>C on the plus strand (T>G on the coding strand, the complement: PEX1 is on the minus strand). VCF-style: chr7-92494389-A-C. GRCh37 (hg19) VCF-style: chr7-92123703-A-C.
Other names: c.2763T>G, p.Tyr921Ter (NM_001282677.2); c.2310T>G, p.Tyr770Ter (NM_001282678.2); short protein forms Y770*, Y921*, Y978*.
Identifiers: ClinVar variation 5012470 (VCV005012470.1).
Genomic context (GRCh38, chr7:92,494,389, plus strand): 5'-TCGACCAGGCCTAAGCAGGGCAGGGTCAATCAAGTCAGGGCGACTAGTAGCAGCCAATAC[A>C]TAAACACCTAGAGGAAAAAAGAACATTTTTTTACCAAAATCTGATGACATGATGACATTT-3'

ClinVar aggregate classification (germline): Pathogenic (1 of 4 stars; one submission).

Conditions:
Peroxisome biogenesis disorder. Identifiers: Orphanet 79189, MedGen C1832200, MONDO:0019234. Disease mechanism: loss of function.

Submission:

Myriad Genetics, Inc.
Classification: Pathogenic for Peroxisome biogenesis disorder. Last evaluated: 2023-11-11. Review status: criteria provided, single submitter. Criteria: Myriad Autosomal Dominant, Autosomal Recessive and X-Linked Classification Criteria (2023). Collection method: clinical testing. Allele origin: unknown.
Comment: NM_000466.2(PEX1):c.2934T>G(Y978*) is expected to be pathogenic in the context of peroxisome biogenesis disorder type 1. This variant is predicted to lead to an abnormal or absent protein product due to the creation of a premature termination codon in PEX1, a gene where loss-of-function variants are known to be pathogenic. Please note: this variant was assessed in the context of healthy population screening.